The following is an entry in ClinVar:

NM_005845.5(ABCC4):c.2001C>T (p.Pro667=)

Gene: ABCC4 (ATP binding cassette subfamily C member 4 (PEL blood group); minus strand). Cytogenetic location: 13q32.1.
Variant type: single nucleotide variant.
Coding change: c.2001C>T on transcript NM_005845.5 (MANE Select); coding-DNA position 2001, C replaced by T.
Protein change: p.Pro667=; no amino-acid change (proline 667 retained).
Molecular consequence: synonymous variant.
Genome position (GRCh38, 1-based): chr13:95,166,191, G>A on the plus strand (C>T on the coding strand, the complement: ABCC4 is on the minus strand). VCF-style: chr13-95166191-G-A. GRCh37 (hg19) VCF-style: chr13-95818445-G-A.
Other names: p.Pro667=; c.2001C>T, p.Pro667= (NM_001105515.3, NM_001301829.2); c.1776C>T, p.Pro592= (NM_001301830.2).
Identifiers: ClinVar variation 4683815 (VCV004683815.1).

ClinVar aggregate classification (germline): Likely benign (1 of 4 stars; one submission).

gnomAD v4.1: 655 of 1,614,130 alleles (0.041%); highest among the groups gnomAD compares: African/African-American, 0.68%; 3 homozygotes.

Submission:

Mayo Clinic Laboratories, Mayo Clinic
Classification: Likely benign. Last evaluated: 2025-10-13. Review status: criteria provided, single submitter. Criteria: ACMG Guidelines, 2015. Collection method: clinical testing. Allele origin: germline. Observed: 1 variant allele.
Comment: BP4, BP7